The following is an entry in ClinVar:

ClinVar aggregate classification (germline): Likely benign (1 of 4 stars; one submission).

Allele frequency attached by ClinVar (database versions not stated): TOPMed 0.00002; gnomAD 0.00003; gnomAD exomes 0.00003.
gnomAD v4.1: 43 of 1,534,576 alleles (0.0028%); highest among the groups gnomAD compares: Non-Finnish European, 0.0037%; no homozygotes.

Submission:

CeGaT Center for Human Genetics Tuebingen
Classification: Likely benign. Last evaluated: 2025-03-01. Review status: criteria provided, single submitter. Criteria: CeGaT Center For Human Genetics Tuebingen Variant Classification Criteria Version 2. Collection method: clinical testing. Allele origin: germline. Affected: yes. Observed: 2 variant alleles.
Comment: CDK19: BP4, BP7

NM_015076.5(CDK19):c.498G>A (p.Arg166=)

Gene: CDK19 (cyclin dependent kinase 19; minus strand). Cytogenetic location: 6q21.
Variant type: single nucleotide variant.
Coding change: c.498G>A on transcript NM_015076.5 (MANE Select); coding-DNA position 498, G replaced by A.
Protein change: p.Arg166=; no amino-acid change (arginine 166 retained).
Molecular consequence: synonymous variant.
Genome position (GRCh38, 1-based): chr6:110,638,665, C>T on the plus strand (G>A on the coding strand, the complement: CDK19 is on the minus strand). VCF-style: chr6-110638665-C-T. GRCh37 (hg19) VCF-style: chr6-110959868-C-T.
Other names: c.498G>A, p.Arg166= (NM_001300960.2); c.318G>A, p.Arg106= (NM_001300963.2, NM_001300964.2).
Identifiers: ClinVar variation 2656847 (VCV002656847.24), dbSNP rs1032990965, ClinGen allele CA145822596.
Genomic context (GRCh38, chr6:110,638,665, plus strand): 5'-TAACTTCAGTTTTTAAATAAATTATTTTAGGAATAATTACCTACCTATTTTGACTCTCCC[C>T]CTCTCAGGACCTTCTCCCATTACTAGGATATTTGCTGGTTTCTAGAAATAAAAATAGAGC-3'
Protein context (NP_055891.1, residues 156-176): NILVMGEGPE[Arg166=]GRVKIADMGF